The following is an entry in ClinVar:

NM_000277.3(PAH):c.1001G>C (p.Cys334Ser)

Gene: PAH (phenylalanine hydroxylase; minus strand). Cytogenetic location: 12q23.2.
Variant type: single nucleotide variant.
Coding change: c.1001G>C on transcript NM_000277.3 (MANE Select); coding-DNA position 1001, G replaced by C.
Protein change: p.Cys334Ser; replaces cysteine 334 with serine.
Molecular consequence: missense variant.
Genome position (GRCh38, 1-based): chr12:102,844,400, C>G on the plus strand (G>C on the coding strand, the complement: PAH is on the minus strand). VCF-style: chr12-102844400-C-G. GRCh37 (hg19) VCF-style: chr12-103238178-C-G.
Other names: c.1001G>C, p.Cys334Ser (NM_001354304.2); short protein forms C334S.
Identifiers: ClinVar variation 102464 (VCV000102464.3), dbSNP rs62517174, ClinGen allele CA229263.
Genomic context (GRCh38, chr12:102,844,400, plus strand): 5'-AATTCACCAAAGGATGACAGGAGCCCAGCACCATATGCCTTTATGGAGTCTCCTTGTTTG[C>G]AGAGCCCAAACTCCACAGTAAACCAGTAAATCTGGAATGGAAAGTCAATCTGAGAGCACA-3'
Protein context (NP_000268.1, residues 324-344): IYWFTVEFGL[Cys334Ser]KQGDSIKAYG

ClinVar aggregate classification (germline): Likely pathogenic. Review status: reviewed by expert panel (3 of 4 stars). 2 submissions from 2 submitters: Likely pathogenic (1). 1 of the submissions does not count toward it. Last evaluated 2024-09-06.

Conditions:
Phenylketonuria (PKU). Also called: Phenylketonuria (PKU); FOLLING DISEASE; OLIGOPHRENIA PHENYLPYRUVICA; Phenylketonurias. Identifiers: Orphanet 716, MedGen C0031485, MONDO:0009861, OMIM 261600. Disease mechanism: loss of function.

Submissions (2):

ClinGen PAH Variant Curation Expert Panel
Classification: Likely pathogenic for Phenylketonuria. Last evaluated: 2024-09-06. Review status: reviewed by expert panel. Criteria: ClinGen PAH ACMG Specifications v1. Collection method: curation. Allele origin: germline. Inheritance: Autosomal recessive inheritance.
Comment: The c.1001G>C (p.Cys334Ser) variant in PAH has been reported in 2 patients with mild PKU/HPA. (BH4 deficiency not ruled out. PMID: 8632937, 10693064). It was detected with pathogenic variant p.F299C (unknown phase). This variant is absent from controls in ExAC, gnomAD, 1000 Genomes, and ESP. A deleterious effect is predicted in SIFT, Polyphen-2, MutationTaster, and REVEL=0.976. In summary, this variant meets criteria to be classified as Likely pathogenic for PAH. PAH-specific ACMG/AMP criteria applied: PM2_supporting, PP3_strong, PP4, PM3_supporting.

DeBelle Laboratory for Biochemical Genetics, MUHC/MCH RESEARCH INSTITUTE
No classification provided. Review status: no classification provided. Collection method: not provided. Allele origin: not provided. Not counted in ClinVar's aggregate classification.